The following is an entry in ClinVar:

ClinVar aggregate classification (germline): Likely benign (1 of 4 stars; one submission).

Allele frequency attached by ClinVar (database versions not stated): 1000 Genomes Project 0.00100; 1000 Genomes Project 30x 0.00125; ESP Exome Variant Server 0.00301.
gnomAD v4.1: 4,807 of 1,600,994 alleles (0.3%); highest among the groups gnomAD compares: Non-Finnish European, 0.36%; 14 homozygotes.

Submission:

CeGaT Center for Human Genetics Tuebingen
Classification: Likely benign. Last evaluated: 2022-07-01. Review status: criteria provided, single submitter. Criteria: CeGaT Center For Human Genetics Tuebingen Variant Classification Criteria Version 2. Collection method: clinical testing. Allele origin: germline. Affected: yes. Observed: 1 variant allele.
Comment: UBASH3B: BS2

NM_032873.5(UBASH3B):c.64G>C (p.Val22Leu)

Gene: UBASH3B (ubiquitin associated and SH3 domain containing B; plus strand). Cytogenetic location: 11q24.1.
Variant type: single nucleotide variant.
Coding change: c.64G>C on transcript NM_032873.5 (MANE Select); coding-DNA position 64, G replaced by C.
Protein change: p.Val22Leu; replaces valine 22 with leucine.
Molecular consequence: missense variant. On other transcripts: 5 prime UTR variant (1).
Genome position (GRCh38, 1-based): chr11:122,656,113, G>C. VCF-style: chr11-122656113-G-C. GRCh37 (hg19) VCF-style: chr11-122526821-G-C.
Other names: c.-46G>C (NM_001363365.2); short protein forms V22L.
Identifiers: ClinVar variation 2642480 (VCV002642480.24), dbSNP rs150696870, ClinGen allele CA6330522.